The following is an entry in ClinVar:

ClinVar aggregate classification (germline): Uncertain significance. Review status: criteria provided, multiple submitters, no conflicts (2 of 4 stars). 2 submissions from 2 submitters: Uncertain significance (2). Last evaluated 2026-02-24.

Conditions:
Inborn genetic diseases. Identifiers: MedGen C0950123, MeSH D030342.
Charcot-Marie-Tooth disease axonal type 2F (CMT2F). Also called: Charcot-Marie-Tooth Neuropathy Type 2F; CHARCOT-MARIE-TOOTH DISEASE, NEURONAL, TYPE 2F. Identifiers: Orphanet 99940, MedGen C1847823, MONDO:0011687, OMIM 606595.

Allele frequency attached by ClinVar (database versions not stated): TOPMed below 0.00001.
gnomAD v4.1: 2 of 1,613,924 alleles (0.00012%); highest among the groups gnomAD compares: African/African-American, 0.0013%; no homozygotes.

Submissions (2):

Ambry Genetics
Classification: Uncertain significance for Inborn genetic diseases. Last evaluated: 2026-02-24. Review status: criteria provided, single submitter. Criteria: Ambry Variant Classification Scheme 2023. Collection method: clinical testing. Allele origin: germline.

Labcorp Genetics (formerly Invitae), Labcorp
Classification: Uncertain significance for Charcot-Marie-Tooth disease axonal type 2F. Last evaluated: 2021-10-23. Review status: criteria provided, single submitter. Criteria: Invitae Variant Classification Sherloc (09022015). Collection method: clinical testing. Allele origin: germline.
Comment: This sequence change replaces serine with cysteine at codon 158 of the HSPB1 protein (p.Ser158Cys). The serine residue is highly conserved and there is a moderate physicochemical difference between serine and cysteine. This variant is not present in population databases (ExAC no frequency). This variant has not been reported in the literature in individuals affected with HSPB1-related conditions. Algorithms developed to predict the effect of missense changes on protein structure and function (SIFT, PolyPhen-2, Align-GVGD) all suggest that this variant is likely to be disruptive. In summary, the available evidence is currently insufficient to determine the role of this variant in disease. Therefore, it has been classified as a Variant of Uncertain Significance.

NM_001540.5(HSPB1):c.473C>G (p.Ser158Cys)

Gene: HSPB1 (heat shock protein family B (small) member 1; plus strand). Cytogenetic location: 7q11.23.
Variant type: single nucleotide variant.
Coding change: c.473C>G on transcript NM_001540.5 (MANE Select); coding-DNA position 473, C replaced by G.
Protein change: p.Ser158Cys; replaces serine 158 with cysteine.
Molecular consequence: missense variant.
Genome position (GRCh38, 1-based): chr7:76,304,028, C>G. VCF-style: chr7-76304028-C-G. GRCh37 (hg19) VCF-style: chr7-75933345-C-G.
Other names: c.473C>G (NM_001540.3); short protein forms S158C.
Identifiers: ClinVar variation 1401746 (VCV001401746.7), dbSNP rs1327017762, ClinGen allele CA367765894.